The following is an entry in ClinVar:

NM_016239.4(MYO15A):c.8883G>A (p.Thr2961=)

Gene: MYO15A (myosin XVA; plus strand). Cytogenetic location: 17p11.2.
Variant type: single nucleotide variant.
Coding change: c.8883G>A on transcript NM_016239.4 (MANE Select); coding-DNA position 8883, G replaced by A.
Protein change: p.Thr2961=; no amino-acid change (threonine 2961 retained).
Molecular consequence: synonymous variant.
Genome position (GRCh38, 1-based): chr17:18,157,816, G>A. VCF-style: chr17-18157816-G-A. GRCh37 (hg19) VCF-style: chr17-18061130-G-A.
Other names: c.8883G>A (NM_016239.3).
Identifiers: ClinVar variation 2905437 (VCV002905437.5), dbSNP rs759400062, ClinGen allele CA8425296.
Genomic context (GRCh38, chr17:18,157,816, plus strand): 5'-CCGCTTCCCTTCGGAGCTGGTGCAGCCCGCTGCTGCCCCCGACTTCCTGCAGCTGCCAAC[G>A]GAGCCAGGCCGCGGCCGAGCAGCCGCCGTGGCCGCTGCTGTGGCCTCTGCAGCCGCTGCA-3'
Protein context (NP_057323.3, residues 2951-2971): AAAPDFLQLP[Thr2961=]EPGRGRAAAV

ClinVar aggregate classification (germline): Likely benign. Review status: criteria provided, single submitter (1 of 4 stars). 2 submissions from 2 submitters: Likely benign (1). 1 of the submissions does not count toward it. Last evaluated 2025-11-08.

Conditions:
MYO15A-related disorder. Also called: MYO15A-related condition.

Allele frequency attached by ClinVar (database versions not stated): TOPMed 0.00001.

Submissions (2):

Labcorp Genetics (formerly Invitae), Labcorp
Classification: Likely benign. Last evaluated: 2025-11-08. Review status: criteria provided, single submitter. Criteria: Invitae Variant Classification Sherloc (09022015). Collection method: clinical testing. Allele origin: germline.

PreventionGenetics, part of Exact Sciences
Classification: Likely benign for MYO15A-related condition. Last evaluated: 2019-03-29. Review status: no assertion criteria provided. Collection method: clinical testing. Allele origin: germline. Not counted in ClinVar's aggregate classification.
Comment: This variant is classified as likely benign based on ACMG/AMP sequence variant interpretation guidelines (Richards et al. 2015 PMID: 25741868, with internal and published modifications).